The following is an entry in ClinVar:

NM_016222.4(DDX41):c.944A>C (p.His315Pro)

Gene: DDX41 (DEAD-box helicase 41; minus strand). Cytogenetic location: 5q35.3.
Variant type: single nucleotide variant.
Coding change: c.944A>C on transcript NM_016222.4 (MANE Select); coding-DNA position 944, A replaced by C.
Protein change: p.His315Pro; replaces histidine 315 with proline.
Molecular consequence: missense variant.
Genome position (GRCh38, 1-based): chr5:177,513,839, T>G on the plus strand (A>C on the coding strand, the complement: DDX41 is on the minus strand). VCF-style: chr5-177513839-T-G. GRCh37 (hg19) VCF-style: chr5-176940840-T-G.
Other names: c.566A>C, p.His189Pro (NM_001321732.2, NM_001321830.2); short protein forms H189P, H315P.
Identifiers: ClinVar variation 2744812 (VCV002744812.3), dbSNP rs2532081282, ClinGen allele CA362374598.

ClinVar aggregate classification (germline): Uncertain significance (1 of 4 stars; one submission).

Submission:

Labcorp Genetics (formerly Invitae), Labcorp
Classification: Uncertain significance. Last evaluated: 2023-07-18. Review status: criteria provided, single submitter. Criteria: Invitae Variant Classification Sherloc (09022015). Collection method: clinical testing. Allele origin: germline.
Comment: This variant is not present in population databases (gnomAD no frequency). This variant has not been reported in the literature in individuals affected with DDX41-related conditions. An algorithm developed to predict the effect of missense changes on protein structure and function (PolyPhen-2) suggests that this variant is likely to be disruptive. In summary, the available evidence is currently insufficient to determine the role of this variant in disease. Therefore, it has been classified as a Variant of Uncertain Significance. This sequence change replaces histidine, which is basic and polar, with proline, which is neutral and non-polar, at codon 315 of the DDX41 protein (p.His315Pro).